The following is an entry in ClinVar:

NM_001042492.3(NF1):c.4019_4021del (p.Leu1340del)

Gene: NF1 (neurofibromin 1; plus strand). Cytogenetic location: 17q11.2.
Variant type: Deletion.
Coding change: c.4019_4021del on transcript NM_001042492.3 (MANE Select); coding-DNA positions 4019 to 4021, 3 bases deleted (TTC; older notation c.4019_4021delTTC).
Protein change: p.Leu1340del; deletes leucine 1340.
Molecular consequence: inframe deletion. On other transcripts: inframe indel (1).
Genome position (GRCh38, 1-based): chr17:31,249,028-31,249,030, TTC deleted; deleting any 3 consecutive bases within chr17:31,249,027-31,249,030 gives the same sequence; the c. name uses the placement nearest the transcript's 3' end. VCF-style (leftmost placement, unchanged base first): chr17-31249026-CCTT-C. GRCh37 (hg19) VCF-style: chr17-29576044-CCTT-C.
Other names: c.4019_4021delTTC, p.Leu1340del (NM_000267.4); short protein forms L1340del.
Identifiers: ClinVar variation 3650752 (VCV003650752.2).

ClinVar aggregate classification (germline): Uncertain significance (1 of 4 stars; one submission).

Conditions:
Neurofibromatosis, type 1 (NF1). Also called: Peripheral type neurofibromatosis; VON RECKLINGHAUSEN DISEASE; Neurofibromatosis, type I; NEUROFIBROMATOSIS, TYPE I, SOMATIC. Identifiers: Orphanet 636, MedGen C0027831, MONDO:0018975, OMIM 162200. Disease mechanism: loss of function.

Submission:

Labcorp Genetics (formerly Invitae), Labcorp
Classification: Uncertain significance for Neurofibromatosis, type 1. Last evaluated: 2024-04-24. Review status: criteria provided, single submitter. Criteria: Invitae Variant Classification Sherloc (09022015). Collection method: clinical testing. Allele origin: germline.
Comment: This variant, c.4019_4021del, results in the deletion of 1 amino acid(s) of the NF1 protein (p.Leu1340del), but otherwise preserves the integrity of the reading frame. This variant is not present in population databases (gnomAD no frequency). This variant has been observed in individual(s) with clinical features of neurofibromatosis type 1 (Invitae). Experimental studies and prediction algorithms are not available or were not evaluated, and the functional significance of this variant is currently unknown. In summary, the available evidence is currently insufficient to determine the role of this variant in disease. Therefore, it has been classified as a Variant of Uncertain Significance.